The following is an entry in ClinVar:

NM_001165963.4(SCN1A):c.2854T>G (p.Trp952Gly)

Gene: SCN1A (sodium voltage-gated channel alpha subunit 1; minus strand). Cytogenetic location: 2q24.3.
Variant type: single nucleotide variant.
Coding change: c.2854T>G on transcript NM_001165963.4 (MANE Select); coding-DNA position 2854, T replaced by G.
Protein change: p.Trp952Gly; replaces tryptophan 952 with glycine.
Molecular consequence: missense variant. On other transcripts: non-coding transcript variant (1).
Genome position (GRCh38, 1-based): chr2:166,037,868, A>C on the plus strand (T>G on the coding strand, the complement: SCN1A is on the minus strand). VCF-style: chr2-166037868-A-C. GRCh37 (hg19) VCF-style: chr2-166894378-A-C.
Other names: c.2770T>G, p.Trp924Gly (NM_001165964.3, NM_001353957.2, NM_001353958.2); c.2854T>G, p.Trp952Gly (NM_001202435.3, NM_001353948.2); c.2821T>G, p.Trp941Gly (NM_001353949.2, NM_001353950.2, NM_001353951.2 and 2 more transcripts); c.2818T>G, p.Trp940Gly (NM_001353954.2, NM_001353955.2); c.2767T>G, p.Trp923Gly (NM_001353960.2); c.412T>G, p.Trp138Gly (NM_001353961.2); short protein forms W941G, W952G, W940G, W138G, W923G, W924G.
Identifiers: ClinVar variation 68605 (VCV000068605.1), dbSNP rs121918737, ClinGen allele CA285099.

ClinVar aggregate classification (germline): Pathogenic. Review status: criteria provided, single submitter (1 of 4 stars). 2 submissions from 2 submitters: Pathogenic (1). 1 of the submissions does not count toward it. Last evaluated 2014-12-20.

Conditions:
Severe myoclonic epilepsy in infancy (DRVT). Also called: SEVERE MYOCLONIC EPILEPSY OF INFANCY; DEVELOPMENTAL AND EPILEPTIC ENCEPHALOPATHY 6A; Severe Myoclonic Epilepsy in Infancy (SMEI); Dravet syndrome; Epileptic encephalopathy, early infantile, 6 (Dravet syndrome). Identifiers: Orphanet 33069, MedGen C0751122, MONDO:0100135, OMIM 607208.

Submissions (2):

Center for Bioinformatics, Peking University
Classification: Pathogenic for Dravet syndrome. Last evaluated: 2014-12-20. Review status: criteria provided, single submitter. Criteria: Xu et al. (Hum Mutat. 2015). Collection method: research. Allele origin: de novo. Affected: yes. Observed: 1 variant allele. Study: University Clinical Cooperation “985 Project” PKU-2014-1-1.
Comment: Dravet syndrome (DS) probands were recruited from the outpatient and inpatient child neurology units of Peking University First Hospital from 2005 till present. The study was approved by the Ethics Committee of Peking University First Hospital and the Institutional Review Board at Peking University. Participants or their parents provided written informed consent before enrollment. We collected a total of 267 mutations from 255 families with probands diagnosed with DS in China. All probands fulfilled the clinical diagnostic criteria.

UniProtKB/Swiss-Prot
No classification provided. Condition: Severe myoclonic epilepsy in infancy. Review status: no classification provided. Collection method: not provided. Allele origin: germline. Not counted in ClinVar's aggregate classification.